The following is an entry in ClinVar:

ClinVar aggregate classification (germline): Benign. Review status: criteria provided, multiple submitters, no conflicts (2 of 4 stars). 5 submissions from 5 submitters: Benign (4). 1 of the submissions does not count toward it. Last evaluated 2024-11-28.

Conditions:
Neuropathy, hereditary motor and sensory, type VIc, with optic atrophy. Also called: HMSN VIC; CHARCOT-MARIE-TOOTH DISEASE, TYPE 6C. Identifiers: MedGen C5193137, MONDO:0032792, OMIM 618511.
PDXK-related disorder. Also called: PDXK-related condition.

Allele frequency attached by ClinVar (database versions not stated): ESP Exome Variant Server 0.08012; gnomAD 0.09312 and 0.09979; TOPMed 0.10061; 1000 Genomes Project 30x 0.14944; 1000 Genomes Project 0.15096.
gnomAD v4.1: 157,746 of 1,604,982 alleles (9.8%); highest among the groups gnomAD compares: East Asian, 22%; 9,938 homozygotes.

Submissions (5):

Blueprint Genetics
Classification: Benign. Last evaluated: 2024-11-28. Review status: criteria provided, single submitter. Criteria: ACMG Guidelines, 2015. Collection method: clinical testing. Allele origin: germline.

Genome-Nilou Lab
Classification: Benign for Neuropathy, hereditary motor and sensory, type VIc, with optic atrophy. Last evaluated: 2021-09-05. Review status: criteria provided, single submitter. Criteria: ACMG Guidelines, 2015. Collection method: clinical testing. Allele origin: germline. Affected: no.

GeneDx
Classification: Benign. Last evaluated: 2021-05-04. Review status: criteria provided, single submitter. Criteria: GeneDx Variant Classification Process June 2021. Collection method: clinical testing. Allele origin: germline. Affected: yes.

Breakthrough Genomics
Classification: Benign. Review status: criteria provided, single submitter. Criteria: ACMG Guidelines, 2015. Collection method: not provided. Allele origin: germline. Inheritance: Autosomal recessive inheritance. Affected: yes.

PreventionGenetics, part of Exact Sciences
Classification: Benign for PDXK-related condition. Last evaluated: 2024-05-23. Review status: no assertion criteria provided. Collection method: clinical testing. Allele origin: germline. Not counted in ClinVar's aggregate classification.
Comment: This variant is classified as benign based on ACMG/AMP sequence variant interpretation guidelines (Richards et al. 2015 PMID: 25741868, with internal and published modifications).

NM_003681.5(PDXK):c.387G>A (p.Pro129=)

Gene: PDXK (pyridoxal kinase; plus strand). Cytogenetic location: 21q22.3.
Variant type: single nucleotide variant.
Coding change: c.387G>A on transcript NM_003681.5 (MANE Select); coding-DNA position 387, G replaced by A.
Protein change: p.Pro129=; no amino-acid change (proline 129 retained).
Molecular consequence: synonymous variant.
Genome position (GRCh38, 1-based): chr21:43,749,003, G>A. VCF-style: chr21-43749003-G-A. GRCh37 (hg19) VCF-style: chr21-45168884-G-A.
Other names: c.267G>A, p.Pro89= (NM_001331030.2).
Identifiers: ClinVar variation 1268466 (VCV001268466.7), dbSNP rs11539534, ClinGen allele CA10048582.